The following is an entry in ClinVar:

ClinVar aggregate classification (germline): Uncertain significance (1 of 4 stars; one submission).

Conditions:
Baller-Gerold syndrome (BGS). Also called: CRANIOSYNOSTOSIS WITH RADIAL DEFECTS. Identifiers: Orphanet 1225, MedGen C0265308, MONDO:0009039, OMIM 218600.

Submission:

Labcorp Genetics (formerly Invitae), Labcorp
Classification: Uncertain significance for Baller-Gerold syndrome. Last evaluated: 2020-04-08. Review status: criteria provided, single submitter. Criteria: Invitae Variant Classification Sherloc (09022015). Collection method: clinical testing. Allele origin: germline.
Comment: This sequence change replaces proline with threonine at codon 490 of the RECQL4 protein (p.Pro1125Thr). The proline residue is highly conserved and there is a small physicochemical difference between proline and threonine. This variant is not present in population databases (ExAC no frequency). This variant has not been reported in the literature in individuals with RECQL4-related conditions. Algorithms developed to predict the effect of missense changes on protein structure and function are either unavailable or do not agree on the potential impact of this missense change (SIFT: Deleterious; PolyPhen-2: Probably Damaging; Align-GVGD: Class C0). In summary, the available evidence is currently insufficient to determine the role of this variant in disease. Therefore, it has been classified as a Variant of Uncertain Significance.

NM_004260.4(RECQL4):c.3373C>A (p.Pro1125Thr)

Gene: RECQL4 (RecQ like helicase 4; minus strand). Cytogenetic location: 8q24.3.
Variant type: single nucleotide variant.
Coding change: c.3373C>A on transcript NM_004260.4 (MANE Select); coding-DNA position 3373, C replaced by A.
Protein change: p.Pro1125Thr; replaces proline 1125 with threonine.
Molecular consequence: missense variant.
Genome position (GRCh38, 1-based): chr8:144,511,931, G>T on the plus strand (C>A on the coding strand, the complement: RECQL4 is on the minus strand). VCF-style: chr8-144511931-G-T. GRCh37 (hg19) VCF-style: chr8-145737314-G-T.
Other names: short protein forms P1125T.
Identifiers: ClinVar variation 658800 (VCV000658800.3), dbSNP rs1253536369, ClinGen allele CA372668106.